The following is an entry in ClinVar:

ClinVar aggregate classification (germline): Uncertain significance (1 of 4 stars; one submission).

Conditions:
Charcot-Marie-Tooth disease axonal type 2Z. Also called: CHARCOT-MARIE-TOOTH DISEASE, AXONAL, AUTOSOMAL DOMINANT, TYPE 2Z; CHARCOT-MARIE-TOOTH NEUROPATHY, TYPE 2Z. Identifiers: Orphanet 466768, MedGen C5569025, MONDO:0014736, OMIM 616688.

Allele frequency attached by ClinVar (database versions not stated): gnomAD 0.00001; TOPMed 0.00001.
gnomAD v4.1: 2 of 1,613,790 alleles (0.00012%); highest among the groups gnomAD compares: Admixed American, 0.0033%; no homozygotes.

Submission:

Labcorp Genetics (formerly Invitae), Labcorp
Classification: Uncertain significance for Charcot-Marie-Tooth disease axonal type 2Z. Last evaluated: 2021-08-03. Review status: criteria provided, single submitter. Criteria: Invitae Variant Classification Sherloc (09022015). Collection method: clinical testing. Allele origin: germline.
Comment: In summary, the available evidence is currently insufficient to determine the role of this variant in disease. Therefore, it has been classified as a Variant of Uncertain Significance. Advanced modeling of protein sequence and biophysical properties (such as structural, functional, and spatial information, amino acid conservation, physicochemical variation, residue mobility, and thermodynamic stability) performed at Invitae indicates that this missense variant is expected to disrupt MORC2 protein function. This variant has not been reported in the literature in individuals affected with MORC2-related conditions. This variant is not present in population databases (ExAC no frequency). This sequence change replaces phenylalanine with isoleucine at codon 188 of the MORC2 protein (p.Phe188Ile). The phenylalanine residue is highly conserved and there is a small physicochemical difference between phenylalanine and isoleucine.

NM_001303256.3(MORC2):c.562T>A (p.Phe188Ile)

Gene: MORC2 (MORC family CW-type zinc finger 2; minus strand). Cytogenetic location: 22q12.2.
Variant type: single nucleotide variant.
Coding change: c.562T>A on transcript NM_001303256.3 (MANE Select); coding-DNA position 562, T replaced by A.
Protein change: p.Phe188Ile; replaces phenylalanine 188 with isoleucine.
Molecular consequence: missense variant.
Genome position (GRCh38, 1-based): chr22:30,942,136, A>T on the plus strand (T>A on the coding strand, the complement: MORC2 is on the minus strand). VCF-style: chr22-30942136-A-T. GRCh37 (hg19) VCF-style: chr22-31338123-A-T.
Other names: c.562T>A, p.Phe188Ile (NM_001303257.2); c.376T>A, p.Phe126Ile (NM_014941.3); short protein forms F188I, F126I.
Identifiers: ClinVar variation 1508911 (VCV001508911.6), dbSNP rs1360752364, ClinGen allele CA411243491.